The following is an entry in ClinVar:

ClinVar aggregate classification (germline): Uncertain significance (1 of 4 stars; one submission).

Conditions:
Parathyroid carcinoma (PRTC). Also called: Parathyroid gland carcinoma; CDC73-Related Parathyroid Carcinoma. Identifiers: Orphanet 143, MedGen C0687150, MONDO:0012004, OMIM 608266, HP:0006780.

Submission:

Labcorp Genetics (formerly Invitae), Labcorp
Classification: Uncertain significance for Parathyroid carcinoma. Last evaluated: 2023-04-09. Review status: criteria provided, single submitter. Criteria: Invitae Variant Classification Sherloc (09022015). Collection method: clinical testing. Allele origin: germline.
Comment: ClinVar contains an entry for this variant (Variation ID: 954674). In summary, the available evidence is currently insufficient to determine the role of this variant in disease. Therefore, it has been classified as a Variant of Uncertain Significance. Advanced modeling of protein sequence and biophysical properties (such as structural, functional, and spatial information, amino acid conservation, physicochemical variation, residue mobility, and thermodynamic stability) has been performed at Invitae for this missense variant, however the output from this modeling did not meet the statistical confidence thresholds required to predict the impact of this variant on CDC73 protein function. This variant has not been reported in the literature in individuals affected with CDC73-related conditions. This variant is not present in population databases (gnomAD no frequency). This sequence change replaces glycine, which is neutral and non-polar, with serine, which is neutral and polar, at codon 396 of the CDC73 protein (p.Gly396Ser).

NM_024529.5(CDC73):c.1186G>A (p.Gly396Ser)

Gene: CDC73 (cell division cycle 73; plus strand). Cytogenetic location: 1q31.2.
Variant type: single nucleotide variant.
Coding change: c.1186G>A on transcript NM_024529.5 (MANE Select); coding-DNA position 1186, G replaced by A.
Protein change: p.Gly396Ser; replaces glycine 396 with serine.
Molecular consequence: missense variant.
Genome position (GRCh38, 1-based): chr1:193,233,024, G>A. VCF-style: chr1-193233024-G-A. GRCh37 (hg19) VCF-style: chr1-193202154-G-A.
Other names: short protein forms G396S.
Identifiers: ClinVar variation 954674 (VCV000954674.10), dbSNP rs866793539, ClinGen allele CA344077779.